The following is an entry in ClinVar:

ClinVar aggregate classification (germline): Conflicting classifications of pathogenicity. Review status: criteria provided, conflicting classifications (1 of 4 stars). 7 submissions from 7 submitters: Uncertain significance (5); Likely benign (2). Last evaluated 2024-11-12.

Conditions:
Arrhythmogenic right ventricular dysplasia 5. Also called: ARRHYTHMOGENIC RIGHT VENTRICULAR DYSPLASIA, FAMILIAL, 5; Arrhythmogenic Right Ventricular Dysplasia/Cardiomyopathy 5. Identifiers: MedGen C1858379, MONDO:0011459, OMIM 604400.
Emery-Dreifuss muscular dystrophy 7, autosomal dominant (EDMD7). Also called: Emery-Dreifuss muscular dystrophy 7, AD. Identifiers: Orphanet 261, MedGen C3553060, MONDO:0013677, OMIM 614302.
Auditory neuropathy, autosomal dominant 3 (AUNA3). Identifiers: MedGen C5676964, MONDO:0859235, OMIM 619832.
Cardiovascular phenotype. Identifiers: MedGen CN230736.
Cardiomyopathy (CMYO). Also called: Cardiomyopathies. Identifiers: Orphanet 167848, MedGen C0878544, MONDO:0004994, HP:0001638. Inheritance: Various modes of inheritance.

Submissions (7):

Labcorp Genetics (formerly Invitae), Labcorp
Classification: Uncertain significance for Arrhythmogenic right ventricular dysplasia 5. Last evaluated: 2024-11-12. Review status: criteria provided, single submitter. Criteria: Invitae Variant Classification Sherloc (09022015). Collection method: clinical testing. Allele origin: germline.
Comment: This variant, c.421_423del, results in the deletion of 1 amino acid(s) of the TMEM43 protein (p.Lys141del), but otherwise preserves the integrity of the reading frame. This variant is present in population databases (rs746639451, gnomAD 0.04%). This variant has not been reported in the literature in individuals affected with TMEM43-related conditions. Experimental studies and prediction algorithms are not available or were not evaluated, and the functional significance of this variant is currently unknown. In summary, the available evidence is currently insufficient to determine the role of this variant in disease. Therefore, it has been classified as a Variant of Uncertain Significance.

GeneDx
Classification: Uncertain significance. Last evaluated: 2024-08-26. Review status: criteria provided, single submitter. Criteria: GeneDx Variant Classification Process June 2021. Collection method: clinical testing. Allele origin: germline. Affected: yes.
Comment: Has not been previously published as pathogenic or benign to our knowledge; In-frame deletion of 1 amino acid in a non-repeat region; In silico analysis supports a deleterious effect on protein structure/function

Blueprint Genetics
Classification: Likely benign. Last evaluated: 2024-08-01. Review status: criteria provided, single submitter. Criteria: ACMG Guidelines, 2015. Collection method: clinical testing. Allele origin: germline.

Color Diagnostics, LLC DBA Color Health
Classification: Uncertain significance for Cardiomyopathy. Last evaluated: 2024-07-17. Review status: criteria provided, single submitter. Criteria: ACMG Guidelines, 2015. Collection method: clinical testing. Allele origin: germline.
Comment: This variant causes a single amino acid deletion at codon 141 of the TMEM43 protein. To our knowledge, functional studies have not been reported for this variant. This variant has not been reported in individuals affected with cardiovascular disorders in the literature. This variant has been identified in 10/251346 chromosomes in the general population by the Genome Aggregation Database (gnomAD). Available evidence is insufficient to determine the role of this variant in disease conclusively. Therefore, this variant is classified as a Variant of Uncertain Significance.

CeGaT Center for Human Genetics Tuebingen
Classification: Uncertain significance. Last evaluated: 2023-09-01. Review status: criteria provided, single submitter. Criteria: CeGaT Center For Human Genetics Tuebingen Variant Classification Criteria Version 2. Collection method: clinical testing. Allele origin: germline. Affected: yes. Observed: 1 variant allele.
Comment: TMEM43: PM4:Supporting

Ambry Genetics
Classification: Likely benign for Cardiovascular phenotype. Last evaluated: 2021-10-01. Review status: criteria provided, single submitter. Criteria: Ambry Variant Classification Scheme 2023. Collection method: clinical testing. Allele origin: germline.

Fulgent Genetics
Classification: Uncertain significance for Arrhythmogenic right ventricular dysplasia 5; Emery-Dreifuss muscular dystrophy 7, autosomal dominant; Auditory neuropathy, autosomal dominant 3. Last evaluated: 2021-09-20. Review status: criteria provided, single submitter. Criteria: ACMG Guidelines, 2015. Collection method: clinical testing. Allele origin: unknown.

NM_024334.3(TMEM43):c.418AAG[1] (p.Lys141del)

Gene: TMEM43 (transmembrane protein 43; plus strand). Cytogenetic location: 3p25.1.
Variant type: Microsatellite.
Coding change: c.418AAG[1] on transcript NM_024334.3 (MANE Select); one copy of the 3-base unit AAG starting at c.418; the reference has two copies in a row; one copy, 3 bases deleted; also written c.421_423del.
Protein change: p.Lys141del; deletes lysine 141.
Molecular consequence: inframe deletion.
Genome position (GRCh38, 1-based): chr3:14,132,574-14,132,576, AAG deleted; deleting any 3 consecutive bases within chr3:14,132,570-14,132,576 gives the same sequence; the position shown is the placement nearest the transcript's 3' end. VCF-style (leftmost placement, unchanged base first): chr3-14132569-TGAA-T. GRCh37 (hg19) VCF-style: chr3-14174069-TGAA-T.
Other names: c.421_423del (NM_024334.3); c.421_423delAAG (NM_024334.2); short protein forms K141del.
Identifiers: ClinVar variation 429495 (VCV000429495.43), dbSNP rs746639451, ClinGen allele CA053503.
Genomic context (GRCh38, chr3:14,132,569, plus strand): 5'-GAGGCTAACCCCCGTGGCTGCTTTGCTTTCCCTGCAGGGAGTACACCGAGGATGGGCAGG[TGAA>T]GAAGGAGACGAGGTATTCCTACAGTGAGTGCTGGGCCCCTTACGTGGTCTCTGCCCATGG-3'